The following is an entry in ClinVar:

NM_000548.5(TSC2):c.3975C>T (p.Gly1325=)

Gene: TSC2 (TSC complex subunit 2; plus strand). Cytogenetic location: 16p13.3.
Variant type: single nucleotide variant.
Coding change: c.3975C>T on transcript NM_000548.5 (MANE Select); coding-DNA position 3975, C replaced by T.
Protein change: p.Gly1325=; no amino-acid change (glycine 1325 retained).
Molecular consequence: synonymous variant. On other transcripts: non-coding transcript variant (5).
Genome position (GRCh38, 1-based): chr16:2,083,786, C>T. VCF-style: chr16-2083786-C-T. GRCh37 (hg19) VCF-style: chr16-2133787-C-T.
Other names: c.3774C>T, p.Gly1258= (NM_001077183.3); c.3906C>T, p.Gly1302= (NM_001114382.3); c.3666C>T, p.Gly1222= (NM_001318827.2); c.3630C>T, p.Gly1210= (NM_001318829.2); c.3243C>T, p.Gly1081= (NM_001318831.2); c.3807C>T, p.Gly1269= (NM_001318832.2); c.3777C>T, p.Gly1259= (NM_001363528.2); c.3843C>T, p.Gly1281= (NM_001370404.1); and 26 more.
Identifiers: ClinVar variation 2860216 (VCV002860216.4), dbSNP rs2151513295, ClinGen allele CA492956753.

ClinVar aggregate classification (germline): Conflicting classifications of pathogenicity. Review status: criteria provided, conflicting classifications (1 of 4 stars). 2 submissions from 2 submitters: Uncertain significance (1); Likely benign (1). Last evaluated 2024-08-27.

Conditions:
Tuberous sclerosis 2 (TSC2). Identifiers: Orphanet 805, MedGen C1860707, MONDO:0013199, OMIM 613254.
Hereditary cancer-predisposing syndrome. Also called: Hereditary neoplastic syndrome; Hereditary Cancer Syndrome; Neoplastic Syndromes, Hereditary; Tumor predisposition. Identifiers: Orphanet 140162, MedGen C0027672, MeSH D009386, MONDO:0015356.

Submissions (2):

Ambry Genetics
Classification: Likely benign for Hereditary cancer-predisposing syndrome. Last evaluated: 2024-08-27. Review status: criteria provided, single submitter. Criteria: Ambry Variant Classification Scheme 2023. Collection method: clinical testing. Allele origin: germline.

Labcorp Genetics (formerly Invitae), Labcorp
Classification: Uncertain significance for Tuberous sclerosis 2. Last evaluated: 2023-04-28. Review status: criteria provided, single submitter. Criteria: Invitae Variant Classification Sherloc (09022015). Collection method: clinical testing. Allele origin: germline.
Comment: In summary, the available evidence is currently insufficient to determine the role of this variant in disease. Therefore, it has been classified as a Variant of Uncertain Significance. This sequence change affects codon 1325 of the TSC2 mRNA. It is a 'silent' change, meaning that it does not change the encoded amino acid sequence of the TSC2 protein. This variant is not present in population databases (gnomAD no frequency). This variant has not been reported in the literature in individuals affected with TSC2-related conditions. Algorithms developed to predict the effect of sequence changes on RNA splicing suggest that this variant may create or strengthen a splice site.